The following is an entry in ClinVar:

ClinVar aggregate classification (germline): Uncertain significance. Review status: criteria provided, multiple submitters, no conflicts (2 of 4 stars). 2 submissions from 2 submitters: Uncertain significance (2). Last evaluated 2023-02-22.

Conditions:
Dilated cardiomyopathy 1KK (CMD1KK). Identifiers: Orphanet 154, Orphanet 75249, MedGen C3714995, MONDO:0014100, OMIM 615248.
Cardiovascular phenotype. Identifiers: MedGen CN230736.

Allele frequency attached by ClinVar (database versions not stated): gnomAD 0.00001; ExAC 0.00002; gnomAD exomes 0.00002; TOPMed 0.00002.
gnomAD v4.1: 6 of 1,613,142 alleles (0.00037%); highest among the groups gnomAD compares: East Asian, 0.013%; no homozygotes.

Submissions (2):

Ambry Genetics
Classification: Uncertain significance for Cardiovascular phenotype. Last evaluated: 2023-02-22. Review status: criteria provided, single submitter. Criteria: Ambry Variant Classification Scheme 2023. Collection method: clinical testing. Allele origin: germline.

Labcorp Genetics (formerly Invitae), Labcorp
Classification: Uncertain significance for Dilated cardiomyopathy 1KK. Last evaluated: 2022-01-13. Review status: criteria provided, single submitter. Criteria: Invitae Variant Classification Sherloc (09022015). Collection method: clinical testing. Allele origin: germline.
Comment: This sequence change replaces proline, which is neutral and non-polar, with leucine, which is neutral and non-polar, at codon 370 of the MYPN protein (p.Pro370Leu). This variant is present in population databases (rs749986338, gnomAD 0.02%). This variant has not been reported in the literature in individuals affected with MYPN-related conditions. ClinVar contains an entry for this variant (Variation ID: 518828). Algorithms developed to predict the effect of missense changes on protein structure and function (SIFT, PolyPhen-2, Align-GVGD) all suggest that this variant is likely to be tolerated. In summary, the available evidence is currently insufficient to determine the role of this variant in disease. Therefore, it has been classified as a Variant of Uncertain Significance.

NM_032578.4(MYPN):c.1109C>T (p.Pro370Leu)

Gene: MYPN (myopalladin; plus strand). Cytogenetic location: 10q21.3.
Variant type: single nucleotide variant.
Coding change: c.1109C>T on transcript NM_032578.4 (MANE Select); coding-DNA position 1109, C replaced by T.
Protein change: p.Pro370Leu; replaces proline 370 with leucine.
Molecular consequence: missense variant. On other transcripts: non-coding transcript variant (2).
Genome position (GRCh38, 1-based): chr10:68,145,505, C>T. VCF-style: chr10-68145505-C-T. GRCh37 (hg19) VCF-style: chr10-69905262-C-T.
Other names: c.1109C>T, p.Pro370Leu (NM_001256267.2); c.227C>T, p.Pro76Leu (NM_001256268.2); short protein forms P370L, P76L.
Identifiers: ClinVar variation 518828 (VCV000518828.18), dbSNP rs749986338, ClinGen allele CA5522435.